The following is an entry in ClinVar:

NM_000487.6(ARSA):c.371G>A (p.Gly124Asp)

Gene: ARSA (arylsulfatase A; minus strand). Cytogenetic location: 22q13.33.
Variant type: single nucleotide variant.
Coding change: c.371G>A on transcript NM_000487.6 (MANE Select); coding-DNA position 371, G replaced by A.
Protein change: p.Gly124Asp; replaces glycine 124 with aspartic acid.
Molecular consequence: missense variant.
Genome position (GRCh38, 1-based): chr22:50,627,260, C>T on the plus strand (G>A on the coding strand, the complement: ARSA is on the minus strand). VCF-style: chr22-50627260-C-T. GRCh37 (hg19) VCF-style: chr22-51065688-C-T.
Other names: c.371G>A, p.Gly124Asp (NM_001085425.3, NM_001085426.3, NM_001085427.3); c.113G>A, p.Gly38Asp (NM_001085428.3, NM_001362782.2); short protein forms G38D, G124D.
Identifiers: ClinVar variation 800496 (VCV000800496.4), dbSNP rs2082689435, ClinGen allele CA412180773.
Genomic context (GRCh38, chr22:50,627,260, plus strand): 5'-TGGAAGCCCTGATGGGGGGGCAGGAAGGCCCCCTCAGGCCCCACCCCAAGGTGCCACTTG[C>T]CGGCCATTCCTGTGAGGTAGCCTCGGGCAGCCAGGACTTCGGCCACGGTCACCTCCTCCA-3'
Protein context (NP_000478.3, residues 114-134): AARGYLTGMA[Gly124Asp]KWHLGVGPEG

ClinVar aggregate classification (germline): Pathogenic/Likely pathogenic. Review status: criteria provided, multiple submitters, no conflicts (2 of 4 stars). 3 submissions from 3 submitters: Pathogenic (2); Likely pathogenic (1). Last evaluated 2025-09-15.

Conditions:
Metachromatic leukodystrophy (MLD). Also called: ARSA DEFICIENCY; CEREBROSIDE SULFATASE DEFICIENCY; Arylsulfatase A Deficiency; METACHROMATIC LEUKOENCEPHALOPATHY; SULFATIDE LIPIDOSIS; Cerebral sclerosis diffuse metachromatic form. Identifiers: Orphanet 512, MedGen C0023522, MONDO:0018868, OMIM 250100.

Allele frequency attached by ClinVar (database versions not stated): gnomAD exomes below 0.00001.

Submissions (3):

Natera, Inc.
Classification: Pathogenic for Metachromatic leukodystrophy. Last evaluated: 2025-09-15. Review status: criteria provided, single submitter. Criteria: Natera Variant Classification Schema (03/2026). Collection method: clinical testing. Allele origin: germline.
Comment: The c.371G>A variant in ARSA is a missense variant predicted to cause substitution of glycine to aspartic acid at amino acid 124. This variant is rare in the general population with a frequency below the threshold expected for the associated phenotype(s). This variant has been observed in one or more individuals affected with the associated recessive disease, as either homozygous or compound heterozygous with a second variant (PMID: 33185815, 32632536). Additionally, this variant has been observed to segregate in affected family members (PMID: 32632536). A different variant at the same position has been determined to be Pathogenic or Likely Pathogenic. Computational prediction algorithms indicate this variant is likely to affect gene or protein function. Given the available evidence, this variant is classified as Pathogenic.

Amsterdam Leukodystrophy Center, Amsterdam UMC
Classification: Pathogenic for Metachromatic leukodystrophy. Last evaluated: 2020-06-24. Review status: criteria provided, single submitter. Criteria: ACMG Guidelines, 2015. Collection method: clinical testing. Allele origin: inherited. Affected: yes.

Medical Molecular Genetics Department, National Research Center
Classification: Likely pathogenic for Metachromatic leukodystrophy. Review status: criteria provided, single submitter. Criteria: ACMG Guidelines, 2015. Collection method: clinical testing. Allele origin: inherited. Affected: yes.

Literature cited by the submitters: PubMed 33185815 (cited by Natera, Inc.); PubMed 32632536 (cited by Natera, Inc. and Amsterdam Leukodystrophy Center, Amsterdam UMC).